The following is an entry in ClinVar:

NM_000030.3(AGXT):c.891T>G (p.Tyr297Ter)

Gene: AGXT (alanine--glyoxylate aminotransferase; plus strand). Cytogenetic location: 2q37.3.
Variant type: single nucleotide variant.
Coding change: c.891T>G on transcript NM_000030.3 (MANE Select); coding-DNA position 891, T replaced by G.
Protein change: p.Tyr297Ter; replaces tyrosine 297 with a stop codon.
Molecular consequence: nonsense.
Genome position (GRCh38, 1-based): chr2:240,877,581, T>G. VCF-style: chr2-240877581-T-G. GRCh37 (hg19) VCF-style: chr2-241816998-T-G.
Other names: short protein forms Y297*.
Identifiers: ClinVar variation 204135 (VCV000204135.5), dbSNP rs180177292, ClinGen allele CA275755.
Genomic context (GRCh38, chr2:240,877,581, plus strand): 5'-GCCATCTCCCACACAGGGCCTGGAGAACAGCTGGCGCCAGCACCGCGAGGCCGCGGCGTA[T>G]CTGCATGGGCGCCTGCAGGCACTGGGGCTGCAGCTCTTCGTGAAGGACCCGGTAAGGAGG-3'

ClinVar aggregate classification (germline): Pathogenic. Review status: criteria provided, single submitter (1 of 4 stars). 3 submissions from 3 submitters: Pathogenic (1). 2 of the submissions do not count toward it. Last evaluated 2025-05-22.

Conditions:
Primary hyperoxaluria, type I (HP1). Also called: GLYCOLIC ACIDURIA; HEPATIC AGT DEFICIENCY; OXALOSIS I; Primary hyperoxaluria type 1. Identifiers: Orphanet 416, Orphanet 93598, MedGen C0268164, MONDO:0009823, OMIM 259900. Disease mechanism: loss of function.

Submissions (3):

3billion
Classification: Pathogenic for Primary hyperoxaluria, type I. Last evaluated: 2025-05-22. Review status: criteria provided, single submitter. Criteria: ACMG Guidelines, 2015. Collection method: clinical testing. Allele origin: germline. Affected: yes.
Comment: The variant is not observed in the gnomAD v4.1.0 dataset. Predicted Consequence/Location: Stop-gained (nonsense): predicted to result in a loss or disruption of normal protein function through nonsense-mediated decay (NMD) or protein truncation. Multiple pathogenic variants are reported downstream of the variant. The variant has been reported at least twice as pathogenic without evidence for the classification (ClinVar ID: VCV000204135 /PMID: 19479957). Therefore, this variant is classified as Pathogenic according to the recommendation of ACMG/AMP guideline.

Counsyl
Classification: Likely pathogenic for Primary hyperoxaluria, type I. Last evaluated: 2016-06-03. Review status: no assertion criteria provided. Collection method: clinical testing. Allele origin: unknown. Not counted in ClinVar's aggregate classification.

Clinical Biochemistry Laboratory, Health Services Laboratory
Classification: Pathogenic for Primary hyperoxaluria, type I. Last evaluated: 2014-11-27. Review status: no assertion criteria provided. Collection method: research. Allele origin: germline. Affected: yes. Not counted in ClinVar's aggregate classification.

Literature cited by the submitters: PubMed 19479957 (cited by 3billion and Clinical Biochemistry Laboratory, Health Services Laboratory); PubMed 24988064 (cited by Counsyl).